The following is an entry in ClinVar:

ClinVar aggregate classification (germline): Uncertain significance (1 of 4 stars; one submission).

gnomAD v4.1: 2 of 1,612,878 alleles (0.00012%); highest among the groups gnomAD compares: Non-Finnish European, 0.00017%; no homozygotes.

Submission:

Ambry Genetics
Classification: Uncertain significance. Last evaluated: 2025-06-07. Review status: criteria provided, single submitter. Criteria: Ambry Variant Classification Scheme 2023. Collection method: clinical testing. Allele origin: germline.
Comment: The p.Q832H variant (also known as c.2496G>C), located in coding exon 11 of the WNK2 gene, results from a G to C substitution at nucleotide position 2496. The glutamine at codon 832 is replaced by histidine, an amino acid with highly similar properties. This amino acid position is conserved. In addition, the in silico prediction for this alteration is inconclusive. Based on the available evidence, the clinical significance of this variant remains unclear.

NM_006648.4(WNK2):c.2496G>C (p.Gln832His)

Gene: WNK2 (WNK lysine deficient protein kinase 2; plus strand). Cytogenetic location: 9q22.31.
Variant type: single nucleotide variant.
Coding change: c.2496G>C on transcript NM_006648.4 (MANE Select); coding-DNA position 2496, G replaced by C.
Protein change: p.Gln832His; replaces glutamine 832 with histidine.
Molecular consequence: missense variant.
Genome position (GRCh38, 1-based): chr9:93,259,044, G>C. VCF-style: chr9-93259044-G-C. GRCh37 (hg19) VCF-style: chr9-96021326-G-C.
Other names: c.2496G>C, p.Gln832His (NM_001282394.3); short protein forms Q832H.
Identifiers: ClinVar variation 3982186 (VCV003982186.1).